The following is an entry in ClinVar:

NM_001273.5(CHD4):c.1686+8T>G

Gene: CHD4 (chromodomain helicase DNA binding protein 4; minus strand). Cytogenetic location: 12p13.31.
Variant type: single nucleotide variant.
Coding change: c.1686+8T>G on transcript NM_001273.5 (MANE Select); 8 bases into the intron after coding-DNA position 1686, T replaced by G.
Molecular consequence: intron variant.
Genome position (GRCh38, 1-based): chr12:6,598,214, A>C on the plus strand (T>G on the coding strand, the complement: CHD4 is on the minus strand). VCF-style: chr12-6598214-A-C. GRCh37 (hg19) VCF-style: chr12-6707380-A-C.
Other names: c.1647+8T>G (NM_001363606.2); c.1665+8T>G (NM_001297553.2).
Identifiers: ClinVar variation 4885733 (VCV004885733.2).
Genomic context (GRCh38, chr12:6,598,214, plus strand): 5'-CCACAAGGCTCTTTTGTCACTATCCTCTTCATCGTAGCCCCTACATCTCCAGACTATCCT[A>C]AACTTACCTGCAGTTCAGAAACCCAGGAGCAGTGCCAGTAAGACATGCCTTGCCATTTCA-3'

ClinVar aggregate classification (germline): Uncertain significance (1 of 4 stars; one submission).

Submission:

Dasa
Classification: Uncertain significance. Last evaluated: 2025-09-15. Review status: criteria provided, single submitter. Criteria: DASA Assertion Criteria. Collection method: clinical testing. Allele origin: germline.
Comment: NM_001273.5(CHD4):c.1686+8T>G is a splice-region variant. This variant is absent from population databases. Computational prediction algorithms are consistent with a benign effect. The currently available literature and clinical evidence are not sufficient to establish a definitive association between this variant and the reported condition. Therefore, this variant is classified as a variant of uncertain significance.